The following is an entry in ClinVar:

NM_003072.5(SMARCA4):c.715G>T (p.Gly239Cys)

Gene: SMARCA4 (SWI/SNF related BAF chromatin remodeling complex subunit ATPase 4; plus strand). Cytogenetic location: 19p13.2.
Variant type: single nucleotide variant.
Coding change: c.715G>T on transcript NM_003072.5 (MANE Select); coding-DNA position 715, G replaced by T.
Protein change: p.Gly239Cys; replaces glycine 239 with cysteine.
Molecular consequence: missense variant. On other transcripts: non-coding transcript variant (1).
Genome position (GRCh38, 1-based): chr19:10,986,548, G>T. VCF-style: chr19-10986548-G-T. GRCh37 (hg19) VCF-style: chr19-11097224-G-T.
Other names: c.715G>T, p.Gly239Cys (NM_001128844.3, NM_001128845.2, NM_001128846.2 and 4 more transcripts); short protein forms G239C.
Identifiers: ClinVar variation 826871 (VCV000826871.12), dbSNP rs761515593, ClinGen allele CA404057143.

ClinVar aggregate classification (germline): Uncertain significance. Review status: criteria provided, multiple submitters, no conflicts (2 of 4 stars). 2 submissions from 2 submitters: Uncertain significance (2). Last evaluated 2021-04-06.

Conditions:
Hereditary cancer-predisposing syndrome. Also called: Neoplastic Syndromes, Hereditary; Tumor predisposition; Hereditary neoplastic syndrome; Hereditary Cancer Syndrome. Identifiers: Orphanet 140162, MedGen C0027672, MeSH D009386, MONDO:0015356.
Rhabdoid tumor predisposition syndrome 2 (RTPS2). Identifiers: Orphanet 231108, Orphanet 69077, MedGen C2750074, MONDO:0013224, OMIM 613325.

Submissions (2):

Labcorp Genetics (formerly Invitae), Labcorp
Classification: Uncertain significance for Rhabdoid tumor predisposition syndrome 2. Last evaluated: 2021-04-06. Review status: criteria provided, single submitter. Criteria: Invitae Variant Classification Sherloc (09022015). Collection method: clinical testing. Allele origin: germline.
Comment: In summary, the available evidence is currently insufficient to determine the role of this variant in disease. Therefore, it has been classified as a Variant of Uncertain Significance. Algorithms developed to predict the effect of missense changes on protein structure and function are either unavailable or do not agree on the potential impact of this missense change (SIFT: "Deleterious"; PolyPhen-2: "Possibly Damaging"; Align-GVGD: "Class C0"). This variant has not been reported in the literature in individuals with SMARCA4-related conditions. ClinVar contains an entry for this variant (Variation ID: 826871). The frequency data for this variant in the population databases is considered unreliable, as metrics indicate insufficient coverage at this position in the ExAC database. This sequence change replaces glycine with cysteine at codon 239 of the SMARCA4 protein (p.Gly239Cys). The glycine residue is highly conserved and there is a large physicochemical difference between glycine and cysteine.

Ambry Genetics
Classification: Uncertain significance for Hereditary cancer-predisposing syndrome. Last evaluated: 2018-11-21. Review status: criteria provided, single submitter. Criteria: Ambry Variant Classification Scheme 2023. Collection method: clinical testing. Allele origin: germline.
Comment: The p.G239C variant (also known as c.715G>T), located in coding exon 3 of the SMARCA4 gene, results from a G to T substitution at nucleotide position 715. The glycine at codon 239 is replaced by cysteine, an amino acid with highly dissimilar properties. This nucleotide position is highly conserved in available vertebrate species. This amino acid position is highly conserved in available vertebrate species. In addition, the in silico prediction for this alteration is inconclusive. Since supporting evidence is limited at this time, the clinical significance of this alteration remains unclear.